The following is an entry in ClinVar:

NM_003072.5(SMARCA4):c.1090G>A (p.Val364Met)

Gene: SMARCA4 (SWI/SNF related BAF chromatin remodeling complex subunit ATPase 4; plus strand). Cytogenetic location: 19p13.2.
Variant type: single nucleotide variant.
Coding change: c.1090G>A on transcript NM_003072.5 (MANE Select); coding-DNA position 1090, G replaced by A.
Protein change: p.Val364Met; replaces valine 364 with methionine.
Molecular consequence: missense variant. On other transcripts: non-coding transcript variant (1).
Genome position (GRCh38, 1-based): chr19:10,987,896, G>A. VCF-style: chr19-10987896-G-A. GRCh37 (hg19) VCF-style: chr19-11098572-G-A.
Other names: c.1090G>A, p.Val364Met (NM_001128844.3, NM_001128845.2, NM_001128846.2 and 5 more transcripts); short protein forms V364M.
Identifiers: ClinVar variation 408595 (VCV000408595.13), dbSNP rs1020163987, ClinGen allele CA16615898.
Genomic context (GRCh38, chr19:10,987,896, plus strand): 5'-CCACTGCACCAGAAGCAGAGCCGCATCACCCCCATCCAGAAGCCGCGGGGCCTCGACCCT[G>A]TGGAGATCCTGCAGGAGCGCGAGTACAGGTGAGGGCGGGGCCCAGTTGCCAAGGTCACTG-3'
Protein context (NP_003063.2, residues 354-374): PIQKPRGLDP[Val364Met]EILQEREYRL

ClinVar aggregate classification (germline): Conflicting classifications of pathogenicity. Review status: criteria provided, conflicting classifications (1 of 4 stars). 4 submissions from 4 submitters: Uncertain significance (3); Likely benign (1). Last evaluated 2025-10-29.

Conditions:
Hereditary cancer-predisposing syndrome. Also called: Hereditary Cancer Syndrome; Hereditary neoplastic syndrome; Neoplastic Syndromes, Hereditary; Tumor predisposition. Identifiers: Orphanet 140162, MedGen C0027672, MeSH D009386, MONDO:0015356.
Rhabdoid tumor predisposition syndrome 2 (RTPS2). Identifiers: Orphanet 231108, Orphanet 69077, MedGen C2750074, MONDO:0013224, OMIM 613325.

Allele frequency attached by ClinVar (database versions not stated): gnomAD exomes below 0.00001; TOPMed below 0.00001; gnomAD 0.00003.
gnomAD v4.1: 1 of 1,613,108 alleles (0.000062%); highest among the groups gnomAD compares: African/African-American, 0.0013%; no homozygotes.

Submissions (4):

Labcorp Genetics (formerly Invitae), Labcorp
Classification: Uncertain significance for Rhabdoid tumor predisposition syndrome 2. Last evaluated: 2025-10-29. Review status: criteria provided, single submitter. Criteria: Invitae Variant Classification Sherloc (09022015). Collection method: clinical testing. Allele origin: germline.
Comment: This sequence change replaces valine, which is neutral and non-polar, with methionine, which is neutral and non-polar, at codon 364 of the SMARCA4 protein (p.Val364Met). This variant is present in population databases (no rsID available, gnomAD 0.01%). This variant has not been reported in the literature in individuals affected with SMARCA4-related conditions. ClinVar contains an entry for this variant (Variation ID: 408595). Invitae Evidence Modeling of protein sequence and biophysical properties (such as structural, functional, and spatial information, amino acid conservation, physicochemical variation, residue mobility, and thermodynamic stability) has been performed for this missense variant. However, the output from this modeling did not meet the statistical confidence thresholds required to predict the impact of this variant on SMARCA4 protein function. In summary, the available evidence is currently insufficient to determine the role of this variant in disease. Therefore, it has been classified as a Variant of Uncertain Significance.

GeneDx
Classification: Uncertain significance. Last evaluated: 2024-07-14. Review status: criteria provided, single submitter. Criteria: GeneDx Variant Classification Process June 2021. Collection method: clinical testing. Allele origin: germline. Affected: yes.
Comment: Not observed at significant frequency in large population cohorts (gnomAD); In silico analysis indicates that this missense variant does not alter protein structure/function; Has not been previously published as pathogenic or benign to our knowledge

Baylor Genetics
Classification: Uncertain significance for Rhabdoid tumor predisposition syndrome 2. Last evaluated: 2024-02-05. Review status: criteria provided, single submitter. Criteria: ACMG Guidelines, 2015. Collection method: clinical testing. Allele origin: unknown.

Ambry Genetics
Classification: Likely benign for Hereditary cancer-predisposing syndrome. Last evaluated: 2022-10-20. Review status: criteria provided, single submitter. Criteria: Ambry Variant Classification Scheme 2023. Collection method: clinical testing. Allele origin: germline.